The following is an entry in ClinVar:

ClinVar aggregate classification (germline): Likely benign. Review status: criteria provided, single submitter (1 of 4 stars). 3 submissions from 3 submitters: Likely benign (1). 2 of the submissions do not count toward it. Last evaluated 2024-06-18.

Conditions:
IFT140-related disorder. Also called: IFT140-related condition.
Kidney disorder. Also called: renal disease; Nephropathy; Kidney disease; Kidney Diseases; renal disorder. Identifiers: MedGen C0022658, MONDO:0005240, HP:0000112.
Retinitis pigmentosa 80 (RP80). Identifiers: MedGen C4540439, MONDO:0054708, OMIM 617781.
Saldino-Mainzer syndrome (SRTD9). Also called: CONORENAL SYNDROME; Renal dysplasia, retinal pigmentary dystrophy, cerebellar ataxia and skeletal dysplasia; short-rib thoracic dysplasia 9 with or without polydactyly; SHORT-RIB THORACIC DYSPLASIA 9 WITHOUT POLYDACTYLY. Identifiers: Orphanet 140969, MedGen C1849437, MONDO:0009964, OMIM 266920.

Allele frequency attached by ClinVar (database versions not stated): gnomAD 0.00006; TOPMed 0.00007; gnomAD exomes 0.00028.
gnomAD v4.1: 236 of 997,866 alleles (0.024%); highest among the groups gnomAD compares: Non-Finnish European, 0.034%; 1 homozygote.

Submissions (3):

Fulgent Genetics
Classification: Likely benign for Saldino-Mainzer syndrome; Retinitis pigmentosa 80. Last evaluated: 2024-06-18. Review status: criteria provided, single submitter. Criteria: ACMG Guidelines, 2015. Collection method: clinical testing. Allele origin: germline.

PreventionGenetics, part of Exact Sciences
Classification: Likely benign for IFT140-related condition. Last evaluated: 2023-07-03. Review status: no assertion criteria provided. Collection method: clinical testing. Allele origin: germline. Not counted in ClinVar's aggregate classification.
Comment: This variant is classified as likely benign based on ACMG/AMP sequence variant interpretation guidelines (Richards et al. 2015 PMID: 25741868, with internal and published modifications).

Joint Genome Diagnostic Labs from Nijmegen and Maastricht, Radboudumc and MUMC+
Classification: Uncertain significance for renal disorder. Review status: no assertion criteria provided. Collection method: clinical testing. Allele origin: germline. Affected: yes. Not counted in ClinVar's aggregate classification.
Comment: Predicted effect on splicing not confirmed with minigene assay

Literature cited by the submitters: PubMed 32037395 (cited by Joint Genome Diagnostic Labs from Nijmegen and Maastricht, Radboudumc and MUMC+).

NM_014714.4(IFT140):c.902+87T>C

Genes: IFT140 (intraflagellar transport 140; minus strand), LOC105371046 (uncharacterized LOC105371046; plus strand). Cytogenetic location: 16p13.3.
Variant type: single nucleotide variant.
Coding change: c.902+87T>C on transcript NM_014714.4 (MANE Select); 87 bases into the intron after coding-DNA position 902, T replaced by C.
Molecular consequence: intron variant.
Genome position (GRCh38, 1-based): chr16:1,587,846, A>G on the plus strand (T>C on the coding strand, the complement: IFT140 is on the minus strand). VCF-style: chr16-1587846-A-G. GRCh37 (hg19) VCF-style: chr16-1637847-A-G.
Identifiers: ClinVar variation 3045304 (VCV003045304.4), dbSNP rs560111717, ClinGen allele CA276682512.
Genomic context (GRCh38, chr16:1,587,846, plus strand): 5'-GAGCTGGTGAATGGGTACGTCCAGTATGAGAGCACTCAGCATCATATGTGCATTTTACAT[A>G]TGCTCCATTCCAACACAAAGCTGACTTAGAGGAGCCTGTTCCTCAGGGAACTCTCATCAA-3'